The following is an entry in ClinVar:

NM_001134363.3(RBM20):c.284A>G (p.Gln95Arg)

Gene: RBM20 (RNA binding motif protein 20; plus strand). Cytogenetic location: 10q25.2.
Variant type: single nucleotide variant.
Coding change: c.284A>G on transcript NM_001134363.3 (MANE Select); coding-DNA position 284, A replaced by G.
Protein change: p.Gln95Arg; replaces glutamine 95 with arginine.
Molecular consequence: missense variant.
Genome position (GRCh38, 1-based): chr10:110,780,893, A>G. VCF-style: chr10-110780893-A-G. GRCh37 (hg19) VCF-style: chr10-112540651-A-G.
Other names: short protein forms Q95R.
Identifiers: ClinVar variation 3377948 (VCV003377948.1).

ClinVar aggregate classification (germline): Uncertain significance (1 of 4 stars; one submission).

Submission:

GeneDx
Classification: Uncertain significance. Last evaluated: 2024-05-16. Review status: criteria provided, single submitter. Criteria: GeneDx Variant Classification Process June 2021. Collection method: clinical testing. Allele origin: germline. Affected: yes.
Comment: Not observed at significant frequency in large population cohorts (gnomAD); In silico analysis indicates that this missense variant does not alter protein structure/function; Has not been previously published as pathogenic or benign to our knowledge